The following is an entry in ClinVar:

ClinVar aggregate classification (germline): Likely benign. Review status: criteria provided, multiple submitters, no conflicts (2 of 4 stars). 2 submissions from 2 submitters: Likely benign (2). Last evaluated 2018-01-30.

Allele frequency attached by ClinVar (database versions not stated): gnomAD 0.00001; gnomAD exomes 0.00001 and 0.00005; TOPMed 0.00002; ExAC 0.00007.
gnomAD v4.1: 32 of 1,613,988 alleles (0.002%); highest among the groups gnomAD compares: East Asian, 0.0067%; no homozygotes.

Submissions (2):

Labcorp Genetics (formerly Invitae), Labcorp
Classification: Likely benign. Last evaluated: 2018-01-30. Review status: criteria provided, single submitter. Criteria: Invitae Variant Classification Sherloc (09022015). Collection method: clinical testing. Allele origin: germline.

GeneDx
Classification: Likely benign. Last evaluated: 2015-12-14. Review status: criteria provided, single submitter. Criteria: GeneDx Variant Classification (06012015). Collection method: clinical testing. Allele origin: germline. Affected: yes.
Comment: This variant is considered likely benign or benign based on one or more of the following criteria: it is a conservative change, it occurs at a poorly conserved position in the protein, it is predicted to be benign by multiple in silico algorithms, and/or has population frequency not consistent with disease.

NM_004959.5(NR5A1):c.1197C>T (p.Ala399=)

Gene: NR5A1 (nuclear receptor subfamily 5 group A member 1; minus strand). Cytogenetic location: 9q33.3.
Variant type: single nucleotide variant.
Coding change: c.1197C>T on transcript NM_004959.5 (MANE Select); coding-DNA position 1197, C replaced by T.
Protein change: p.Ala399=; no amino-acid change (alanine 399 retained).
Molecular consequence: synonymous variant.
Genome position (GRCh38, 1-based): chr9:124,482,947, G>A on the plus strand (C>T on the coding strand, the complement: NR5A1 is on the minus strand). VCF-style: chr9-124482947-G-A. GRCh37 (hg19) VCF-style: chr9-127245226-G-A.
Identifiers: ClinVar variation 382485 (VCV000382485.4), dbSNP rs764850069, ClinGen allele CA5235258.